The following is an entry in ClinVar:

NM_000245.4(MET):c.2054G>A (p.Gly685Glu)

Gene: MET (MET proto-oncogene, receptor tyrosine kinase; plus strand). Cytogenetic location: 7q31.2.
Variant type: single nucleotide variant.
Coding change: c.2054G>A on transcript NM_000245.4 (MANE Select); coding-DNA position 2054, G replaced by A.
Protein change: p.Gly685Glu; replaces glycine 685 with glutamic acid.
Molecular consequence: missense variant.
Genome position (GRCh38, 1-based): chr7:116,757,726, G>A. VCF-style: chr7-116757726-G-A. GRCh37 (hg19) VCF-style: chr7-116397780-G-A.
Other names: c.2054G>A, p.Gly685Glu (NM_001127500.3, NM_001324401.3); c.764G>A, p.Gly255Glu (NM_001324402.2); short protein forms G685E, G255E.
Identifiers: ClinVar variation 820609 (VCV000820609.5), dbSNP rs1584941747, ClinGen allele CA368979980.

ClinVar aggregate classification (germline): Uncertain significance (1 of 4 stars; one submission).

Conditions:
Hereditary cancer-predisposing syndrome. Also called: Neoplastic Syndromes, Hereditary; Tumor predisposition; Hereditary Cancer Syndrome; Hereditary neoplastic syndrome. Identifiers: Orphanet 140162, MedGen C0027672, MeSH D009386, MONDO:0015356.

Submission:

Ambry Genetics
Classification: Uncertain significance for Hereditary cancer-predisposing syndrome. Last evaluated: 2025-10-20. Review status: criteria provided, single submitter. Criteria: Ambry Variant Classification Scheme 2023. Collection method: clinical testing. Allele origin: germline.
Comment: The p.G685E variant (also known as c.2054G>A), located in coding exon 7 of the MET gene, results from a G to A substitution at nucleotide position 2054. The glycine at codon 685 is replaced by glutamic acid, an amino acid with similar properties. This amino acid position is highly conserved in available vertebrate species. In silico splice site analysis predicts that this alteration will result in the creation or strengthening of a novel splice donor site. In addition, this alteration is predicted to be deleterious by in silico analysis. Based on the available evidence, the clinical significance of this variant remains unclear.